The following is an entry in ClinVar:

ClinVar aggregate classification (germline): Uncertain significance. Review status: criteria provided, multiple submitters, no conflicts (2 of 4 stars). 2 submissions from 2 submitters: Uncertain significance (2). Last evaluated 2025-12-05.

Conditions:
Dilated cardiomyopathy 1JJ (CMD1JJ). Identifiers: Orphanet 154, MedGen C3808935, MONDO:0014095, OMIM 615235.
LAMA4-related disorder. Also called: LAMA4-related condition.

Allele frequency attached by ClinVar (database versions not stated): gnomAD exomes below 0.00001; TOPMed 0.00001.
gnomAD v4.1: 1 of 1,614,074 alleles (0.000062%); highest among the groups gnomAD compares: Non-Finnish European, 0.000085%; no homozygotes.

Submissions (2):

PreventionGenetics, part of Exact Sciences
Classification: Uncertain significance for LAMA4-related condition. Last evaluated: 2025-12-05. Review status: criteria provided, single submitter. Criteria: ACMG Guidelines, 2015. Collection method: clinical testing. Allele origin: germline.
Comment: The LAMA4 c.2978C>T variant is predicted to result in the amino acid substitution p.Pro993Leu. To our knowledge, this variant has not been reported in the literature or in a large population database (gnomAD), indicating this variant is rare. At this time, the clinical significance of this variant is uncertain due to the absence of conclusive functional and genetic evidence.

Labcorp Genetics (formerly Invitae), Labcorp
Classification: Uncertain significance for Dilated cardiomyopathy 1JJ. Last evaluated: 2024-02-13. Review status: criteria provided, single submitter. Criteria: Invitae Variant Classification Sherloc (09022015). Collection method: clinical testing. Allele origin: germline.
Comment: This sequence change replaces proline, which is neutral and non-polar, with leucine, which is neutral and non-polar, at codon 993 of the LAMA4 protein (p.Pro993Leu). This variant is not present in population databases (gnomAD no frequency). This variant has not been reported in the literature in individuals affected with LAMA4-related conditions. ClinVar contains an entry for this variant (Variation ID: 2067510). An algorithm developed to predict the effect of missense changes on protein structure and function (PolyPhen-2) suggests that this variant is likely to be disruptive. In summary, the available evidence is currently insufficient to determine the role of this variant in disease. Therefore, it has been classified as a Variant of Uncertain Significance.

NM_001105206.3(LAMA4):c.2999C>T (p.Pro1000Leu)

Gene: LAMA4 (laminin subunit alpha 4; minus strand). Cytogenetic location: 6q21.
Variant type: single nucleotide variant.
Coding change: c.2999C>T on transcript NM_001105206.3 (MANE Select); coding-DNA position 2999, C replaced by T.
Protein change: p.Pro1000Leu; replaces proline 1000 with leucine.
Molecular consequence: missense variant.
Genome position (GRCh38, 1-based): chr6:112,139,863, G>A on the plus strand (C>T on the coding strand, the complement: LAMA4 is on the minus strand). VCF-style: chr6-112139863-G-A. GRCh37 (hg19) VCF-style: chr6-112461065-G-A.
Other names: c.2978C>T, p.Pro993Leu (NM_001105207.3, NM_002290.5); c.2978C>T (NM_002290.4); short protein forms P1000L, P993L.
Identifiers: ClinVar variation 2067510 (VCV002067510.5), dbSNP rs1312121489, ClinGen allele CA365379418.